The following is an entry in ClinVar:

NM_001008537.3(NEXMIF):c.370G>A (p.Ala124Thr)

Gene: NEXMIF (neurite extension and migration factor; minus strand). Cytogenetic location: Xq13.3.
Variant type: single nucleotide variant.
Coding change: c.370G>A on transcript NM_001008537.3 (MANE Select); coding-DNA position 370, G replaced by A.
Protein change: p.Ala124Thr; replaces alanine 124 with threonine.
Molecular consequence: missense variant.
Genome position (GRCh38, 1-based): chrX:74,744,187, C>T on the plus strand (G>A on the coding strand, the complement: NEXMIF is on the minus strand). VCF-style: chrX-74744187-C-T. GRCh37 (hg19) VCF-style: chrX-73964022-C-T.
Other names: short protein forms A124T.
Identifiers: ClinVar variation 2233427 (VCV002233427.9), dbSNP rs781426673, ClinGen allele CA10455222.
Genomic context (GRCh38, chrX:74,744,187, plus strand): 5'-GACTTGGCTGCATGAGACAGTCCCCATTCAGAGCTGACATGCCTGCAGGCTCCATTATGG[C>T]AAATGGAGCTTTCTCACATTCATTGGGAAGTGACCATGTGTTCAGGCCTTTTGCAATGCC-3'
Protein context (NP_001008537.1, residues 114-134): LPNECEKAPF[Ala124Thr]IMEPAGMSAL

ClinVar aggregate classification (germline): Conflicting classifications of pathogenicity. Review status: criteria provided, conflicting classifications (1 of 4 stars). 3 submissions from 3 submitters: Uncertain significance (2); Likely benign (1). Last evaluated 2026-02-01.

Allele frequency attached by ClinVar (database versions not stated): ExAC 0.00001; gnomAD 0.00001; TOPMed 0.00002.
gnomAD v4.1: 10 of 1,209,147 alleles (0.00083%); highest among the groups gnomAD compares: Middle Eastern, 0.023%; no homozygotes.

Submissions (3):

CeGaT Center for Human Genetics Tuebingen
Classification: Likely benign. Last evaluated: 2026-02-01. Review status: criteria provided, single submitter. Criteria: CeGaT Center For Human Genetics Tuebingen Variant Classification Criteria Version 2. Collection method: clinical testing. Allele origin: germline. Affected: yes. Observed: 1 variant allele.
Comment: NEXMIF: BP4, BS2

Labcorp Genetics (formerly Invitae), Labcorp
Classification: Uncertain significance. Last evaluated: 2023-08-10. Review status: criteria provided, single submitter. Criteria: Invitae Variant Classification Sherloc (09022015). Collection method: clinical testing. Allele origin: germline.
Comment: This sequence change replaces alanine, which is neutral and non-polar, with threonine, which is neutral and polar, at codon 124 of the NEXMIF protein (p.Ala124Thr). This variant is present in population databases (rs781426673, gnomAD 0.004%), including at least one homozygous and/or hemizygous individual. This variant has not been reported in the literature in individuals affected with NEXMIF-related conditions. ClinVar contains an entry for this variant (Variation ID: 2233427). Algorithms developed to predict the effect of missense changes on protein structure and function output the following: SIFT: "Not Available"; PolyPhen-2: "Benign"; Align-GVGD: "Not Available". The threonine amino acid residue is found in multiple mammalian species, which suggests that this missense change does not adversely affect protein function. In summary, the available evidence is currently insufficient to determine the role of this variant in disease. Therefore, it has been classified as a Variant of Uncertain Significance.

Ambry Genetics
Classification: Uncertain significance. Last evaluated: 2021-06-18. Review status: criteria provided, single submitter. Criteria: Ambry Variant Classification Scheme 2023. Collection method: clinical testing. Allele origin: germline.